The following is an entry in ClinVar:

NM_000531.6(OTC):c.571C>G (p.Leu191Val)

Gene: OTC (ornithine transcarbamylase; plus strand). Cytogenetic location: Xp11.4.
Variant type: single nucleotide variant.
Coding change: c.571C>G on transcript NM_000531.6 (MANE Select); coding-DNA position 571, C replaced by G.
Protein change: p.Leu191Val; replaces leucine 191 with valine.
Molecular consequence: missense variant.
Genome position (GRCh38, 1-based): chrX:38,403,648, C>G. VCF-style: chrX-38403648-C-G. GRCh37 (hg19) VCF-style: chrX-38262901-C-G.
Other names: c.571C>G, p.Leu191Val (NM_001407092.1); short protein forms L191V.
Identifiers: ClinVar variation 3777402 (VCV003777402.1).

ClinVar aggregate classification (germline): Uncertain significance (1 of 4 stars; one submission).

gnomAD v4.1: 1 of 1,208,808 alleles (0.000083%); highest among the groups gnomAD compares: South Asian, 0.0018%; no homozygotes.

Submission:

GeneDx
Classification: Uncertain significance. Last evaluated: 2024-10-10. Review status: criteria provided, single submitter. Criteria: GeneDx Variant Classification Process June 2021. Collection method: clinical testing. Allele origin: germline. Affected: yes.
Comment: In silico analysis indicates that this missense variant does not alter protein structure/function; Not observed at significant frequency in large population cohorts (gnomAD); This variant is associated with the following publications: (PMID: 37146589)